The following is an entry in ClinVar:

ClinVar aggregate classification (germline): Uncertain significance (1 of 4 stars; one submission).

Conditions:
Hereditary cancer-predisposing syndrome. Also called: Tumor predisposition; Neoplastic Syndromes, Hereditary; Hereditary neoplastic syndrome; Hereditary Cancer Syndrome. Identifiers: Orphanet 140162, MedGen C0027672, MeSH D009386, MONDO:0015356.

Submission:

Ambry Genetics
Classification: Uncertain significance for Hereditary cancer-predisposing syndrome. Last evaluated: 2025-08-27. Review status: criteria provided, single submitter. Criteria: Ambry Variant Classification Scheme 2023. Collection method: clinical testing. Allele origin: germline.
Comment: The p.S508C variant (also known as c.1523C>G), located in coding exon 16 of the MUTYH gene, results from a C to G substitution at nucleotide position 1523. The serine at codon 508 is replaced by cysteine, an amino acid with dissimilar properties. This amino acid position is conserved. In addition, this alteration is predicted to be tolerated by in silico analysis. Based on the available evidence, the clinical significance of this variant remains unclear.

NM_001048174.2(MUTYH):c.1439C>G (p.Ser480Cys)

Gene: MUTYH (mutY DNA glycosylase; minus strand). Cytogenetic location: 1p34.1.
Variant type: single nucleotide variant.
Coding change: c.1439C>G on transcript NM_001048174.2 (MANE Select); coding-DNA position 1439, C replaced by G.
Protein change: p.Ser480Cys; replaces serine 480 with cysteine.
Molecular consequence: missense variant. On other transcripts: non-coding transcript variant (7).
Genome position (GRCh38, 1-based): chr1:45,329,433, G>C on the plus strand (C>G on the coding strand, the complement: MUTYH is on the minus strand). VCF-style: chr1-45329433-G-C. GRCh37 (hg19) VCF-style: chr1-45795105-G-C.
Other names: c.1439C>G, p.Ser480Cys (NM_001048171.2, NM_001048173.2, NM_001293195.2 and 6 more transcripts); c.1442C>G, p.Ser481Cys (NM_001048172.2, NM_001407078.1, NM_001407086.1 and 1 more transcripts); c.1523C>G, p.Ser508Cys (NM_001128425.2); c.1484C>G, p.Ser495Cys (NM_001293190.2); c.1472C>G, p.Ser491Cys (NM_001293191.2, NM_001407077.1, NM_001407069.1); c.1163C>G, p.Ser388Cys (NM_001293192.2, NM_001293196.2, NM_001407091.1); c.1094C>G, p.Ser365Cys (NM_001350650.2, NM_001350651.2, NM_001407082.1); c.1355C>G, p.Ser452Cys (NM_001407075.1); and 5 more; short protein forms S388C, S452C, S491C, S365C, S466C, S467C, S487C, S480C.
Identifiers: ClinVar variation 4113324 (VCV004113324.1).